The following is an entry in ClinVar:

NM_004304.5(ALK):c.2569C>T (p.His857Tyr)

Gene: ALK (ALK receptor tyrosine kinase; minus strand). Cytogenetic location: 2p23.2.
Variant type: single nucleotide variant.
Coding change: c.2569C>T on transcript NM_004304.5 (MANE Select); coding-DNA position 2569, C replaced by T.
Protein change: p.His857Tyr; replaces histidine 857 with tyrosine.
Molecular consequence: missense variant.
Genome position (GRCh38, 1-based): chr2:29,232,367, G>A on the plus strand (C>T on the coding strand, the complement: ALK is on the minus strand). VCF-style: chr2-29232367-G-A. GRCh37 (hg19) VCF-style: chr2-29455233-G-A.
Other names: short protein forms H857Y.
Identifiers: ClinVar variation 929023 (VCV000929023.12), dbSNP rs754393402, ClinGen allele CA1594260.

ClinVar aggregate classification (germline): Uncertain significance. Review status: criteria provided, multiple submitters, no conflicts (2 of 4 stars). 3 submissions from 3 submitters: Uncertain significance (3). Last evaluated 2025-11-10.

Conditions:
Hereditary cancer-predisposing syndrome. Also called: Tumor predisposition; Hereditary neoplastic syndrome; Neoplastic Syndromes, Hereditary; Hereditary Cancer Syndrome. Identifiers: Orphanet 140162, MedGen C0027672, MeSH D009386, MONDO:0015356.
Neuroblastoma, susceptibility to, 3. Also called: ALK-Related Neuroblastic Tumor Susceptibility. Identifiers: Orphanet 635, MedGen C2751681, MONDO:0013083, OMIM 613014.

Allele frequency attached by ClinVar (database versions not stated): gnomAD 0.00001 and 0.00002; gnomAD exomes 0.00001 and 0.00002; ExAC 0.00002; TOPMed 0.00002.
gnomAD v4.1: 21 of 1,614,152 alleles (0.0013%); highest among the groups gnomAD compares: Middle Eastern, 0.016%; no homozygotes.

Submissions (3):

Labcorp Genetics (formerly Invitae), Labcorp
Classification: Uncertain significance for Neuroblastoma, susceptibility to, 3. Last evaluated: 2025-11-10. Review status: criteria provided, single submitter. Criteria: Invitae Variant Classification Sherloc (09022015). Collection method: clinical testing. Allele origin: germline.
Comment: This sequence change replaces histidine, which is basic and polar, with tyrosine, which is neutral and polar, at codon 857 of the ALK protein (p.His857Tyr). This variant is present in population databases (rs754393402, gnomAD 0.007%). This variant has not been reported in the literature in individuals affected with ALK-related conditions. ClinVar contains an entry for this variant (Variation ID: 929023). An algorithm developed to predict the effect of missense changes on protein structure and function (PolyPhen-2) suggests that this variant is likely to be disruptive. In summary, the available evidence is currently insufficient to determine the role of this variant in disease. Therefore, it has been classified as a Variant of Uncertain Significance.

Ambry Genetics
Classification: Uncertain significance for Hereditary cancer-predisposing syndrome. Last evaluated: 2024-06-06. Review status: criteria provided, single submitter. Criteria: Ambry Variant Classification Scheme 2023. Collection method: clinical testing. Allele origin: germline.
Comment: The p.H857Y variant (also known as c.2569C>T), located in coding exon 15 of the ALK gene, results from a C to T substitution at nucleotide position 2569. The histidine at codon 857 is replaced by tyrosine, an amino acid with similar properties. This amino acid position is conserved. In addition, this alteration is predicted to be tolerated by in silico analysis. Since supporting evidence is limited at this time, the clinical significance of this alteration remains unclear.

Women's Health and Genetics/Laboratory Corporation of America, LabCorp
Classification: Uncertain significance. Last evaluated: 2019-12-23. Review status: criteria provided, single submitter. Criteria: LabCorp Variant Classification Summary - May 2015. Collection method: clinical testing. Allele origin: germline.
Comment: Variant summary: ALK c.2569C>T (p.His857Tyr) results in a conservative amino acid change in the encoded protein sequence. Three of five in-silico tools predict a benign effect of the variant on protein function. The variant allele was found at a frequency of 2e-05 in 251484 control chromosomes. The available data on variant occurrences in the general population are insufficient to allow any conclusion about variant significance. To our knowledge, no occurrence of c.2569C>T in individuals affected with Neuroblastoma and no experimental evidence demonstrating its impact on protein function have been reported. No clinical diagnostic laboratories have submitted clinical-significance assessments for this variant to ClinVar after 2014. Based on the evidence outlined above, the variant was classified as uncertain significance.